The following is an entry in ClinVar:

ClinVar aggregate classification (germline): Benign (1 of 4 stars; one submission).

Allele frequency attached by ClinVar (database versions not stated): gnomAD exomes 0.09073; gnomAD 0.11871 and 0.12328; TOPMed 0.13312; 1000 Genomes Project 30x 0.20175; 1000 Genomes Project 0.20767.
gnomAD v4.1: 67,844 of 692,662 alleles (9.8%); highest among the groups gnomAD compares: East Asian, 26%; 5,280 homozygotes.

Submission:

GeneDx
Classification: Benign. Last evaluated: 2018-06-14. Review status: criteria provided, single submitter. Criteria: GeneDx Variant Classification (06012015). Collection method: clinical testing. Allele origin: germline. Affected: yes.
Comment: This variant is considered likely benign or benign based on one or more of the following criteria: it is a conservative change, it occurs at a poorly conserved position in the protein, it is predicted to be benign by multiple in silico algorithms, and/or has population frequency not consistent with disease.

NM_001851.6(COL9A1):c.88+150G>T

Gene: COL9A1 (collagen type IX alpha 1 chain; minus strand). Cytogenetic location: 6q13.
Variant type: single nucleotide variant.
Coding change: c.88+150G>T on transcript NM_001851.6 (MANE Select); 150 bases into the intron after coding-DNA position 88, G replaced by T.
Molecular consequence: intron variant.
Genome position (GRCh38, 1-based): chr6:70,301,851, C>A on the plus strand (G>T on the coding strand, the complement: COL9A1 is on the minus strand). VCF-style: chr6-70301851-C-A. GRCh37 (hg19) VCF-style: chr6-71011554-C-A.
Other names: c.88+150G>T (NM_001377291.1).
Identifiers: ClinVar variation 677874 (VCV000677874.1), dbSNP rs9455036, ClinGen allele CA140830254.